The following is an entry in ClinVar:

NM_000222.3(KIT):c.934T>G (p.Phe312Val)

Gene: KIT (KIT proto-oncogene, receptor tyrosine kinase; plus strand). Cytogenetic location: 4q12.
Variant type: single nucleotide variant.
Coding change: c.934T>G on transcript NM_000222.3 (MANE Select); coding-DNA position 934, T replaced by G.
Protein change: p.Phe312Val; replaces phenylalanine 312 with valine.
Molecular consequence: missense variant.
Genome position (GRCh38, 1-based): chr4:54,707,106, T>G. VCF-style: chr4-54707106-T-G. GRCh37 (hg19) VCF-style: chr4-55573272-T-G.
Other names: c.934T>G, p.Phe312Val (NM_001093772.2, NM_001385285.1, NM_001385286.1); c.937T>G, p.Phe313Val (NM_001385284.1, NM_001385288.1, NM_001385290.1 and 1 more transcripts); short protein forms F312V, F313V.
Identifiers: ClinVar variation 4093183 (VCV004093183.1).

ClinVar aggregate classification (germline): Uncertain significance (1 of 4 stars; one submission).

Conditions:
Hereditary cancer-predisposing syndrome. Also called: Tumor predisposition; Neoplastic Syndromes, Hereditary; Hereditary neoplastic syndrome; Hereditary Cancer Syndrome. Identifiers: Orphanet 140162, MedGen C0027672, MeSH D009386, MONDO:0015356.

Submission:

Ambry Genetics
Classification: Uncertain significance for Hereditary cancer-predisposing syndrome. Last evaluated: 2025-07-22. Review status: criteria provided, single submitter. Criteria: Ambry Variant Classification Scheme 2023. Collection method: clinical testing. Allele origin: germline.
Comment: The p.F312V variant (also known as c.934T>G), located in coding exon 6 of the KIT gene, results from a T to G substitution at nucleotide position 934. The phenylalanine at codon 312 is replaced by valine, an amino acid with highly similar properties. This amino acid position is conserved. In addition, the in silico prediction for this alteration is inconclusive. Based on the available evidence, the clinical significance of this variant remains unclear.